The following is an entry in ClinVar:

ClinVar aggregate classification (germline): Uncertain significance (1 of 4 stars; one submission).

gnomAD v4.1: 1 of 1,612,770 alleles (0.000062%); highest among the groups gnomAD compares: East Asian, 0.0022%; no homozygotes.

Submission:

Ambry Genetics
Classification: Uncertain significance. Last evaluated: 2023-08-30. Review status: criteria provided, single submitter. Criteria: Ambry Variant Classification Scheme 2023. Collection method: clinical testing. Allele origin: germline.
Comment: The p.A554S variant (also known as c.1660G>T), located in coding exon 11 of the RINT1 gene, results from a G to T substitution at nucleotide position 1660. The alanine at codon 554 is replaced by serine, an amino acid with similar properties. This amino acid position is conserved. In addition, this alteration is predicted to be tolerated by in silico analysis. Since supporting evidence is limited at this time, the clinical significance of this alteration remains unclear.

NM_021930.6(RINT1):c.1660G>T (p.Ala554Ser)

Gene: RINT1 (RAD50 interactor 1; plus strand). Cytogenetic location: 7q22.3.
Variant type: single nucleotide variant.
Coding change: c.1660G>T on transcript NM_021930.6 (MANE Select); coding-DNA position 1660, G replaced by T.
Protein change: p.Ala554Ser; replaces alanine 554 with serine.
Molecular consequence: missense variant.
Genome position (GRCh38, 1-based): chr7:105,555,216, G>T. VCF-style: chr7-105555216-G-T. GRCh37 (hg19) VCF-style: chr7-105195663-G-T.
Other names: c.1426G>T, p.Ala476Ser (NM_001346599.2); c.637G>T, p.Ala213Ser (NM_001346600.2, NM_001346603.2); c.736G>T, p.Ala246Ser (NM_001346601.2); short protein forms A246S, A476S, A554S, A213S.
Identifiers: ClinVar variation 2622768 (VCV002622768.2), dbSNP rs769303044, ClinGen allele CA368812018.